The following is an entry in ClinVar:

GRCh37/hg19 Xp21.1(chrX:31898005-31959887)x0

Gene: DMD (dystrophin; minus strand). Cytogenetic location: Xp21.1.
Variant type: copy number loss.
Change: copy number 0 of chrX:31,898,005-31,959,887 (61.9 kb, GRCh37 coordinates, 1-based), cytogenetic band Xp21.1.
Identifiers: ClinVar variation 4683022 (VCV004683022.1).

ClinVar aggregate classification (germline): Pathogenic (1 of 4 stars; one submission).

Submission:

Quest Diagnostics Nichols Institute San Juan Capistrano
Classification: Pathogenic. Last evaluated: 2024-11-20. Review status: criteria provided, single submitter. Criteria: ACMG/ClinGen CNV Guidelines, 2019. Collection method: clinical testing. Allele origin: unknown.
Comment: This copy number loss of Xp21.1 appears to involve multiple exons (exons 46-47; NM_004006.3) of DMD (OMIM 300377). Intragenic deletions and duplications, as well as pathogenic sequence variants of DMD, are associated with X-linked recessive Duchenne muscular dystrophy (DMD; OMIM 310200). In-frame variants of DMD are predicted to result in Becker muscular dystrophy (BMD; OMIM 300376). Carrier females of pathogenic alterations of the DMD gene are often not affected, but there is a proportion of carrier females that are manifesting carriers (Ishizaki 2018). Based on current medical literature and gene content, this copy number variant (CNV) is classified as pathogenic. References: Ishizaki et al., Neuromuscul Disord. 2018 Jul;28(7):572-581. PMID: 29801751.